The following is an entry in ClinVar:

ClinVar aggregate classification (germline): Likely pathogenic (1 of 4 stars; one submission).

Submission:

Labcorp Genetics (formerly Invitae), Labcorp
Classification: Likely pathogenic. Last evaluated: 2025-07-30. Review status: criteria provided, single submitter. Criteria: Invitae Variant Classification Sherloc (09022015). Collection method: clinical testing. Allele origin: germline.
Comment: This sequence change affects a donor splice site in intron 18 of the PIK3C2A gene. It is expected to disrupt RNA splicing. Variants that disrupt the donor or acceptor splice site typically lead to a loss of protein function (PMID: 16199547), and loss-of-function variants in PIK3C2A are known to be pathogenic (PMID: 31034465). This variant is not present in population databases (gnomAD no frequency). This variant has not been reported in the literature in individuals affected with PIK3C2A-related conditions. Algorithms developed to predict the effect of sequence changes on RNA splicing suggest that this variant may disrupt the consensus splice site. In summary, the currently available evidence indicates that the variant is pathogenic, but additional data are needed to prove that conclusively. Therefore, this variant has been classified as Likely Pathogenic.

Literature cited by the submitters: PubMed 16199547; PubMed 31034465.

NM_002645.4(PIK3C2A):c.3035+1G>C

Gene: PIK3C2A (phosphatidylinositol-4-phosphate 3-kinase catalytic subunit type 2 alpha; minus strand). Cytogenetic location: 11p15.1.
Variant type: single nucleotide variant.
Coding change: c.3035+1G>C on transcript NM_002645.4 (MANE Select); the canonical splice donor site of the intron after coding-DNA position 3035, G replaced by C.
Molecular consequence: splice donor variant.
Genome position (GRCh38, 1-based): chr11:17,118,644, C>G on the plus strand (G>C on the coding strand, the complement: PIK3C2A is on the minus strand). VCF-style: chr11-17118644-C-G. GRCh37 (hg19) VCF-style: chr11-17140191-C-G.
Other names: c.1895+1G>C (NM_001321380.2); c.2867+1G>C (NM_001386870.1); c.3035+1G>C (NM_001321378.2).
Identifiers: ClinVar variation 4724378 (VCV004724378.1).
Genomic context (GRCh38, chr11:17,118,644, plus strand): 5'-TATGCCATTTCTATAAATTCTAGGAATGGAAATACGGTAATCAATAAAATTTAAATCTTA[C>G]CAATATAAATTGTGTGCTATCTGGATATTTCCCAATGCCCTGGACAAAAGGAATTGCACT-3'